The following is an entry in ClinVar:

ClinVar aggregate classification (germline): Conflicting classifications of pathogenicity. Review status: criteria provided, conflicting classifications (1 of 4 stars). 3 submissions from 3 submitters: Uncertain significance (2); Likely benign (1). Last evaluated 2026-09-01.

Conditions:
Inborn genetic diseases. Identifiers: MedGen C0950123, MeSH D030342.

Allele frequency attached by ClinVar (database versions not stated): gnomAD 0.00001; ExAC 0.00001.
gnomAD v4.1: 18 of 1,612,306 alleles (0.0011%); highest among the groups gnomAD compares: Non-Finnish European, 0.0014%; no homozygotes.

Submissions (3):

Ambry Genetics
Classification: Uncertain significance for Inborn genetic diseases. Last evaluated: 2026-09-01. Review status: criteria provided, single submitter. Criteria: Ambry Variant Classification Scheme 2023. Collection method: clinical testing. Allele origin: germline.

Labcorp Genetics (formerly Invitae), Labcorp
Classification: Likely benign. Last evaluated: 2026-01-07. Review status: criteria provided, single submitter. Criteria: Invitae Variant Classification Sherloc (09022015). Collection method: clinical testing. Allele origin: germline.

Women's Health and Genetics/Laboratory Corporation of America, LabCorp
Classification: Uncertain significance. Last evaluated: 2025-01-29. Review status: criteria provided, single submitter. Criteria: LabCorp Variant Classification Summary - May 2015. Collection method: clinical testing. Allele origin: germline.
Comment: Variant summary: COL11A1 c.4228C>T (p.Arg1410Trp) results in a non-conservative amino acid change in the encoded protein sequence. Five of five in-silico tools predict a damaging effect of the variant on protein function. The variant allele was found at a frequency of 4e-06 in 251260 control chromosomes. The available data on variant occurrences in the general population are insufficient to allow any conclusion about variant significance. To our knowledge, no occurrence of c.4228C>T in individuals affected with Stickler Syndrome and no experimental evidence demonstrating its impact on protein function have been reported. ClinVar contains an entry for this variant (Variation ID: 1677061). Based on the evidence outlined above, the variant was classified as uncertain significance.

NM_001854.4(COL11A1):c.4228C>T (p.Arg1410Trp)

Gene: COL11A1 (collagen type XI alpha 1 chain; minus strand). Cytogenetic location: 1p21.1.
Variant type: single nucleotide variant.
Coding change: c.4228C>T on transcript NM_001854.4 (MANE Select); coding-DNA position 4228, C replaced by T.
Protein change: p.Arg1410Trp; replaces arginine 1410 with tryptophan.
Molecular consequence: missense variant. On other transcripts: non-coding transcript variant (1).
Genome position (GRCh38, 1-based): chr1:102,898,686, G>A on the plus strand (C>T on the coding strand, the complement: COL11A1 is on the minus strand). VCF-style: chr1-102898686-G-A. GRCh37 (hg19) VCF-style: chr1-103364242-G-A.
Other names: c.4111C>T, p.Arg1371Trp (NM_001190709.2); c.4264C>T, p.Arg1422Trp (NM_080629.3); c.3880C>T, p.Arg1294Trp (NM_080630.4); short protein forms R1294W, R1371W, R1410W, R1422W.
Identifiers: ClinVar variation 1677061 (VCV001677061.7), dbSNP rs778331804, ClinGen allele CA973630.